The following is an entry in ClinVar:

ClinVar aggregate classification (germline): Uncertain significance (1 of 4 stars; one submission).

Submission:

GeneDx
Classification: Uncertain significance. Last evaluated: 2021-04-16. Review status: criteria provided, single submitter. Criteria: GeneDx Variant Classification Process June 2021. Collection method: clinical testing. Allele origin: germline. Affected: yes.
Comment: Has not been previously published as pathogenic or benign to our knowledge; Not observed in large population cohorts (Lek et al., 2016); In silico analysis supports that this missense variant has a deleterious effect on protein structure/function

NM_000257.4(MYH7):c.3343A>T (p.Ile1115Phe)

Gene: MYH7 (myosin heavy chain 7; minus strand). Cytogenetic location: 14q11.2.
Variant type: single nucleotide variant.
Coding change: c.3343A>T on transcript NM_000257.4 (MANE Select); coding-DNA position 3343, A replaced by T.
Protein change: p.Ile1115Phe; replaces isoleucine 1115 with phenylalanine.
Molecular consequence: missense variant.
Genome position (GRCh38, 1-based): chr14:23,420,228, T>A on the plus strand (A>T on the coding strand, the complement: MYH7 is on the minus strand). VCF-style: chr14-23420228-T-A. GRCh37 (hg19) VCF-style: chr14-23889437-T-A.
Other names: short protein forms I1115F.
Identifiers: ClinVar variation 1320518 (VCV001320518.2), dbSNP rs2138654702, ClinGen allele CA389044205.